The following is an entry in ClinVar:

NM_173689.7(CRB2):c.946G>C (p.Asp316His)

Gene: CRB2 (crumbs cell polarity complex component 2; plus strand). Cytogenetic location: 9q33.3.
Variant type: single nucleotide variant.
Coding change: c.946G>C on transcript NM_173689.7 (MANE Select); coding-DNA position 946, G replaced by C.
Protein change: p.Asp316His; replaces aspartic acid 316 with histidine.
Molecular consequence: missense variant.
Genome position (GRCh38, 1-based): chr9:123,367,578, G>C. VCF-style: chr9-123367578-G-C. GRCh37 (hg19) VCF-style: chr9-126129857-G-C.
Other names: short protein forms D316H.
Identifiers: ClinVar variation 4687682 (VCV004687682.1).
Genomic context (GRCh38, chr9:123,367,578, plus strand): 5'-AGCCCCTGCCTGGCTCTGAGGGTGCAGGTGGGACCCACAGCTGGGCCTCTTACAGGAGCC[G>C]ACTGCGGTGTGGAGGTGGACGAGTGTGCCTCACGGCCATGCCTCAACGGAGGCCACTGCC-3'
Protein context (NP_775960.4, residues 306-326): CHCPPGFEGA[Asp316His]CGVEVDECAS

ClinVar aggregate classification (germline): Uncertain significance (1 of 4 stars; one submission).

gnomAD v4.1: 6 of 1,555,388 alleles (0.00039%); highest among the groups gnomAD compares: African/African-American, 0.0082%; no homozygotes.

Submission:

Women's Health and Genetics/Laboratory Corporation of America, LabCorp
Classification: Uncertain significance. Last evaluated: 2025-10-28. Review status: criteria provided, single submitter. Criteria: LabCorp Variant Classification Summary - May 2015. Collection method: clinical testing. Allele origin: germline.
Comment: Variant summary: CRB2 c.946G>C (p.Asp316His) results in a non-conservative amino acid change in the encoded protein sequence. Algorithms developed to predict the effect of missense changes on protein structure and function are either unavailable or do not agree on the potential impact of this missense change. The variant was absent in 164864 control chromosomes. The available data on variant occurrences in the general population are insufficient to allow any conclusion about variant significance. To our knowledge, no occurrence of c.946G>C in individuals affected with CRB2-related conditions and no experimental evidence demonstrating its impact on protein function have been reported. No submitters have cited clinical-significance assessments for this variant to ClinVar. Based on the evidence outlined above, the variant was classified as uncertain significance.